The following is an entry in ClinVar:

ClinVar aggregate classification (germline): Uncertain significance. Review status: criteria provided, multiple submitters, no conflicts (2 of 4 stars). 4 submissions from 4 submitters: Uncertain significance (4). Last evaluated 2026-03-31.

Conditions:
Inborn genetic diseases. Identifiers: MedGen C0950123, MeSH D030342.
UNC45A-related disorder. Also called: UNC45A-related condition.

Allele frequency attached by ClinVar (database versions not stated): gnomAD 0.00005; TOPMed 0.00006; ESP Exome Variant Server 0.00023.
gnomAD v4.1: 53 of 1,614,034 alleles (0.0033%); highest among the groups gnomAD compares: Middle Eastern, 0.016%; no homozygotes.

Submissions (4):

PreventionGenetics, part of Exact Sciences
Classification: Uncertain significance for UNC45A-related condition. Last evaluated: 2026-03-31. Review status: criteria provided, single submitter. Criteria: ACMG Guidelines, 2015. Collection method: clinical testing. Allele origin: germline.
Comment: The UNC45A c.1630C>T variant is predicted to result in the amino acid substitution p.Arg544Trp. To our knowledge, this variant has not been reported in the literature. This variant is reported in 0.017% of alleles in individuals of Latino descent in gnomAD. At this time, the clinical significance of this variant is uncertain due to the absence of conclusive functional and genetic evidence.

GeneDx
Classification: Uncertain significance. Last evaluated: 2024-11-25. Review status: criteria provided, single submitter. Criteria: GeneDx Variant Classification Process June 2021. Collection method: clinical testing. Allele origin: germline.
Comment: In silico analysis supports that this missense variant has a deleterious effect on protein structure/function; Has not been previously published as pathogenic or benign to our knowledge

Ambry Genetics
Classification: Uncertain significance for Inborn genetic diseases. Last evaluated: 2024-04-27. Review status: criteria provided, single submitter. Criteria: Ambry Variant Classification Scheme 2023. Collection method: clinical testing. Allele origin: germline.

Labcorp Genetics (formerly Invitae), Labcorp
Classification: Uncertain significance. Last evaluated: 2022-03-05. Review status: criteria provided, single submitter. Criteria: Invitae Variant Classification Sherloc (09022015). Collection method: clinical testing. Allele origin: germline.
Comment: This sequence change replaces arginine, which is basic and polar, with tryptophan, which is neutral and slightly polar, at codon 544 of the UNC45A protein (p.Arg544Trp). This variant is present in population databases (rs369754093, gnomAD 0.02%). This variant has not been reported in the literature in individuals affected with UNC45A-related conditions. Experimental studies and prediction algorithms are not available or were not evaluated, and the functional significance of this variant is currently unknown. In summary, the available evidence is currently insufficient to determine the role of this variant in disease. Therefore, it has been classified as a Variant of Uncertain Significance.

NM_018671.5(UNC45A):c.1630C>T (p.Arg544Trp)

Gene: UNC45A (unc-45 myosin chaperone A; plus strand). Cytogenetic location: 15q26.1.
Variant type: single nucleotide variant.
Coding change: c.1630C>T on transcript NM_018671.5 (MANE Select); coding-DNA position 1630, C replaced by T.
Protein change: p.Arg544Trp; replaces arginine 544 with tryptophan.
Molecular consequence: missense variant.
Genome position (GRCh38, 1-based): chr15:90,948,176, C>T. VCF-style: chr15-90948176-C-T. GRCh37 (hg19) VCF-style: chr15-91491406-C-T.
Other names: c.1585C>T (NM_001039675.1); c.1585C>T, p.Arg529Trp (NM_001039675.2, NM_001323621.2); c.1630C>T, p.Arg544Trp (NM_001323619.1); c.1195C>T, p.Arg399Trp (NM_001323620.2); c.1630C>T (NM_018671.3); short protein forms R529W, R399W, R544W.
Identifiers: ClinVar variation 2059515 (VCV002059515.5), dbSNP rs369754093, ClinGen allele CA7742997.